The following is an entry in ClinVar:

NM_002340.6(LSS):c.551-7_551-6delinsGC

Gene: LSS (lanosterol synthase; minus strand). Cytogenetic location: 21q22.3.
Variant type: Indel.
Coding change: c.551-7_551-6delinsGC on transcript NM_002340.6 (MANE Select); 7 bases into the intron before coding-DNA position 551 through 6 bases into the intron before coding-DNA position 551, CG replaced by GC.
Molecular consequence: genic upstream transcript variant. On other transcripts: intron variant (1).
Genome position (GRCh38, 1-based): chr21:46,219,578-46,219,579, CG replaced by GC on the plus strand (CG replaced by GC on the coding strand, the reverse complement: LSS is on the minus strand). VCF-style: chr21-46219578-CG-GC. GRCh37 (hg19) VCF-style: chr21-47639492-CG-GC.
Other names: c.518-7_518-6delinsGC (NM_001145436.2); c.551-7_551-6delinsGC (NM_001001438.3); c.311-7_311-6delinsGC (NM_001145437.2).
Identifiers: ClinVar variation 2167863 (VCV002167863.1), dbSNP rs2517242892, ClinGen allele CA2580098941.

ClinVar aggregate classification (germline): Uncertain significance (1 of 4 stars; one submission).

Submission:

Labcorp Genetics (formerly Invitae), Labcorp
Classification: Uncertain significance. Last evaluated: 2022-02-18. Review status: criteria provided, single submitter. Criteria: Invitae Variant Classification Sherloc (09022015). Collection method: clinical testing. Allele origin: germline.
Comment: This sequence change falls in intron 5 of the LSS gene. It does not directly change the encoded amino acid sequence of the LSS protein. Information on the frequency of this variant in the gnomAD database is not available, as this variant may be reported differently in the database. This variant has not been reported in the literature in individuals affected with LSS-related conditions. Experimental studies and prediction algorithms are not available or were not evaluated, and the effect of this variant on mRNA splicing is currently unknown. In summary, the available evidence is currently insufficient to determine the role of this variant in disease. Therefore, it has been classified as a Variant of Uncertain Significance.